The following is an entry in ClinVar:

ClinVar aggregate classification (germline): Uncertain significance. Review status: criteria provided, multiple submitters, no conflicts (2 of 4 stars). 3 submissions from 3 submitters: Uncertain significance (3). Last evaluated 2025-09-01.

Conditions:
Inborn genetic diseases. Identifiers: MedGen C0950123, MeSH D030342.
Hepatoencephalopathy due to combined oxidative phosphorylation defect type 1. Also called: HEPATOENCEPHALOPATHY, EARLY FATAL PROGRESSIVE. Identifiers: Orphanet 137681, MedGen C1836797, MONDO:0012191, OMIM 609060.

Allele frequency attached by ClinVar (database versions not stated): gnomAD 0.00002; ExAC 0.00004; TOPMed 0.00004.
gnomAD v4.1: 29 of 1,534,936 alleles (0.0019%); highest among the groups gnomAD compares: East Asian, 0.063%; no homozygotes.

Submissions (3):

Ambry Genetics
Classification: Uncertain significance for Inborn genetic diseases. Last evaluated: 2025-09-01. Review status: criteria provided, single submitter. Criteria: Ambry Variant Classification Scheme 2023. Collection method: clinical testing. Allele origin: germline.

Labcorp Genetics (formerly Invitae), Labcorp
Classification: Uncertain significance. Last evaluated: 2021-07-18. Review status: criteria provided, single submitter. Criteria: Invitae Variant Classification Sherloc (09022015). Collection method: clinical testing. Allele origin: germline.
Comment: This sequence change replaces alanine with serine at codon 199 of the GFM1 protein (p.Ala199Ser). The alanine residue is highly conserved and there is a moderate physicochemical difference between alanine and serine. This variant is present in population databases (rs759781532, ExAC 0.06%). This variant has not been reported in the literature in individuals with GFM1-related disease. Algorithms developed to predict the effect of missense changes on protein structure and function (SIFT, PolyPhen-2, Align-GVGD) all suggest that this variant is likely to be disruptive, but these predictions have not been confirmed by published functional studies and their clinical significance is uncertain. In summary, the available evidence is currently insufficient to determine the role of this variant in disease. Therefore, it has been classified as a Variant of Uncertain Significance.

Juno Genomics, Hangzhou Juno Genomics, Inc
Classification: Uncertain significance for Hepatoencephalopathy due to combined oxidative phosphorylation defect type 1. Review status: criteria provided, single submitter. Criteria: ACMG Guidelines, 2015. Collection method: clinical testing. Allele origin: germline.
Comment: Absent from controls (or at extremely low frequency if recessive) in Genome Aggregation Database.;Multiple lines of computational evidence support a deleterious effect on the gene or gene product.

NM_024996.7(GFM1):c.595G>T (p.Ala199Ser)

Gene: GFM1 (G elongation factor mitochondrial 1; plus strand). Cytogenetic location: 3q25.32.
Variant type: single nucleotide variant.
Coding change: c.595G>T on transcript NM_024996.7 (MANE Select); coding-DNA position 595, G replaced by T.
Protein change: p.Ala199Ser; replaces alanine 199 with serine.
Molecular consequence: missense variant. On other transcripts: non-coding transcript variant (2), intron variant (3).
Genome position (GRCh38, 1-based): chr3:158,649,063, G>T. VCF-style: chr3-158649063-G-T. GRCh37 (hg19) VCF-style: chr3-158366852-G-T.
Other names: c.595G>T, p.Ala199Ser (NM_001308164.2, NM_001308166.2, NM_001374355.1); c.370G>T, p.Ala124Ser (NM_001374357.1); c.28G>T, p.Ala10Ser (NM_001374359.1, NM_001374360.1); c.572+2116G>T (NM_001374356.1); c.6-3033G>T (NM_001374361.1); c.235-3037G>T (NM_001374358.1); c.595G>T (NM_024996.5); short protein forms A10S, A124S, A199S.
Identifiers: ClinVar variation 2074784 (VCV002074784.6), dbSNP rs759781532, ClinGen allele CA2682369.